The following is an entry in ClinVar:

ClinVar aggregate classification (germline): Conflicting classifications of pathogenicity. Review status: criteria provided, conflicting classifications (1 of 4 stars). 4 submissions from 4 submitters: Likely pathogenic (1); Uncertain significance (1). 2 of the submissions do not count toward it. Last evaluated 2025-05-07.

Conditions:
SLC7A9-related disorder. Also called: SLC7A9-related condition.
Cystinuria (CSNU). Also called: CYSTINURIA, TYPE I; CYSTINURIA, TYPE II; CYSTINURIA, TYPE III; Cystinuria, non-type I. Identifiers: Orphanet 214, MedGen C0010691, MONDO:0009067, OMIM 220100, HP:0003131.

Allele frequency attached by ClinVar (database versions not stated): gnomAD below 0.00001 and 0.00001.
gnomAD v4.1: 13 of 1,613,134 alleles (0.00081%); highest among the groups gnomAD compares: South Asian, 0.0022%; no homozygotes.

Submissions (4):

First Genomix Gene Laboratory, Genetic Diagnostics Department
Classification: Likely pathogenic for Cystinuria. Last evaluated: 2025-05-07. Review status: criteria provided, single submitter. Criteria: ACMG Guidelines, 2015. Collection method: clinical testing. Allele origin: germline. Inheritance: Autosomal recessive inheritance. Affected: no. Observed: 1 variant allele.

Fulgent Genetics
Classification: Uncertain significance for Cystinuria. Last evaluated: 2021-07-08. Review status: criteria provided, single submitter. Criteria: ACMG Guidelines, 2015. Collection method: clinical testing. Allele origin: unknown.

PreventionGenetics, part of Exact Sciences
Classification: Likely pathogenic for SLC7A9-related condition. Last evaluated: 2024-07-31. Review status: no assertion criteria provided. Collection method: clinical testing. Allele origin: germline. Not counted in ClinVar's aggregate classification.
Comment: The SLC7A9 c.992C>T variant is predicted to result in the amino acid substitution p.Ala331Val. This variant has been reported to be causative for cystinuria (Botzenhart et al. 2002. PubMed ID: 12234283; Gaildrat et al. 2017. PubMed ID: 28717662; Popovska-Jankovic et al. 2013. PubMed ID: 23532419). Heterozygous carriers of this variant could be mildly affected (Botzenhart et al. 2002. PubMed ID: 12234283). In summary, we categorize the c.992C>T variant as likely pathogenic.

Sydney Genome Diagnostics, Children's Hospital Westmead
Classification: Uncertain significance for Cystinuria. Last evaluated: 2019-01-23. Review status: no assertion criteria provided. Collection method: clinical testing. Allele origin: unknown. Affected: yes. Observed: 1 variant allele, 1 heterozygote. Not counted in ClinVar's aggregate classification.
Comment: This variant has been reported in multiple patients with cystinuria (Botzenhart et al 2002 Kidney Int 62: 1136-1142; reviewed in Eggermann et al 2012 Orphanet J Rare Dis 7:19; Gaildrat et al 2017 Mol gen Genom Med 5: 373-389). A heterozygous carrier of the p.(Ala331Val) variant was reported to have elevated urinary cystine and dibasic amino acids (Botzenhart et al 2002). This variant has been reported in the gnomAD browser with a very low allele frequency of 0.0016% (4 out of 251,308 alleles). In silico analysis of pathogenicity (through Alamut Visual v2.8.1) is inconclusive regarding this change; PolyPhen2 and MutationTaster predict it to be likely pathogenic whereas SIFT predicts this variant to be benign. This variant is considered to be a variant of uncertain clinical significance (VOUS) according to the ACMG guidelines. (Evidence used: PS4_moderate, PM2)

NM_014270.5(SLC7A9):c.992C>T (p.Ala331Val)

Gene: SLC7A9 (solute carrier family 7 member 9; minus strand). Cytogenetic location: 19q13.11.
Variant type: single nucleotide variant.
Coding change: c.992C>T on transcript NM_014270.5 (MANE Select); coding-DNA position 992, C replaced by T.
Protein change: p.Ala331Val; replaces alanine 331 with valine.
Molecular consequence: missense variant.
Genome position (GRCh38, 1-based): chr19:32,843,937, G>A on the plus strand (C>T on the coding strand, the complement: SLC7A9 is on the minus strand). VCF-style: chr19-32843937-G-A. GRCh37 (hg19) VCF-style: chr19-33334843-G-A.
Other names: c.992C>T, p.Ala331Val (NM_001126335.2, NM_001243036.2); c.992C>T (NM_014270.4); short protein forms A331V.
Identifiers: ClinVar variation 988237 (VCV000988237.5), dbSNP rs768466784, ClinGen allele CA9358533.